The following is an entry in ClinVar:

ClinVar aggregate classification (germline): Uncertain significance (1 of 4 stars; one submission).

gnomAD v4.1: 1 of 1,602,928 alleles (0.000062%); highest among the groups gnomAD compares: Non-Finnish European, 0.000085%; no homozygotes.

Submission:

Ambry Genetics
Classification: Uncertain significance. Last evaluated: 2024-02-28. Review status: criteria provided, single submitter. Criteria: Ambry Variant Classification Scheme 2023. Collection method: clinical testing. Allele origin: germline.
Comment: The p.I185L variant (also known as c.553A>T), located in coding exon 4 of the BUB3 gene, results from an A to T substitution at nucleotide position 553. The isoleucine at codon 185 is replaced by leucine, an amino acid with highly similar properties. This amino acid position is conserved. In addition, the in silico prediction for this alteration is inconclusive. Based on the available evidence, the clinical significance of this alteration remains unclear.

NM_004725.4(BUB3):c.553A>T (p.Ile185Leu)

Gene: BUB3 (BUB3 mitotic checkpoint protein; plus strand). Cytogenetic location: 10q26.13.
Variant type: single nucleotide variant.
Coding change: c.553A>T on transcript NM_004725.4 (MANE Select); coding-DNA position 553, A replaced by T.
Protein change: p.Ile185Leu; replaces isoleucine 185 with leucine.
Molecular consequence: missense variant.
Genome position (GRCh38, 1-based): chr10:123,160,542, A>T. VCF-style: chr10-123160542-A-T. GRCh37 (hg19) VCF-style: chr10-124920058-A-T.
Other names: c.553A>T, p.Ile185Leu (NM_001007793.3); short protein forms I185L.
Identifiers: ClinVar variation 3224508 (VCV003224508.1), dbSNP rs1480946047, ClinGen allele CA378626350.